The following is an entry in ClinVar:

NM_001718.6(BMP6):c.339G>A (p.Gln113=)

Gene: BMP6 (bone morphogenetic protein 6; plus strand). Cytogenetic location: 6p24.3.
Variant type: single nucleotide variant.
Coding change: c.339G>A on transcript NM_001718.6 (MANE Select); coding-DNA position 339, G replaced by A.
Protein change: p.Gln113=; no amino-acid change (glutamine 113 retained).
Molecular consequence: synonymous variant.
Genome position (GRCh38, 1-based): chr6:7,727,294, G>A. VCF-style: chr6-7727294-G-A. GRCh37 (hg19) VCF-style: chr6-7727527-G-A.
Identifiers: ClinVar variation 3056089 (VCV003056089.2), dbSNP rs200554660, ClinGen allele CA3628526.

ClinVar aggregate classification (germline): Benign (0 of 4 stars; one submission).

Conditions:
BMP6-related disorder. Also called: BMP6-related condition.

Allele frequency attached by ClinVar (database versions not stated): 1000 Genomes Project 0.00020; ESP Exome Variant Server 0.00060; gnomAD 0.00067; TOPMed 0.00076; gnomAD exomes 0.00086; ExAC 0.00094.

Submission:

PreventionGenetics, part of Exact Sciences
Classification: Benign for BMP6-related condition. Last evaluated: 2019-03-12. Review status: no assertion criteria provided. Collection method: clinical testing. Allele origin: germline.
Comment: This variant is classified as benign based on ACMG/AMP sequence variant interpretation guidelines (Richards et al. 2015 PMID: 25741868, with internal and published modifications).